The following is an entry in ClinVar:

NM_001276345.2(TNNT2):c.835A>T (p.Asn279Tyr)

Gene: TNNT2 (troponin T2, cardiac type; minus strand). Cytogenetic location: 1q32.1.
Variant type: single nucleotide variant.
Coding change: c.835A>T on transcript NM_001276345.2 (MANE Select); coding-DNA position 835, A replaced by T.
Protein change: p.Asn279Tyr; replaces asparagine 279 with tyrosine.
Molecular consequence: missense variant.
Genome position (GRCh38, 1-based): chr1:201,359,639, T>A on the plus strand (A>T on the coding strand, the complement: TNNT2 is on the minus strand). VCF-style: chr1-201359639-T-A. GRCh37 (hg19) VCF-style: chr1-201328767-T-A.
Other names: p.N269Y:AAC>TAC; c.826A>T, p.Asn276Tyr (NM_000364.4); c.805A>T, p.Asn269Tyr (NM_001001430.3, NM_001276347.2); c.796A>T, p.Asn266Tyr (NM_001001431.3); c.787A>T, p.Asn263Tyr (NM_001001432.3); c.706A>T, p.Asn236Tyr (NM_001276346.2); short protein forms N269Y, N276Y, N266Y, N236Y, N263Y, N279Y.
Identifiers: ClinVar variation 181648 (VCV000181648.2), dbSNP rs4523540, ClinGen allele CA005165.

ClinVar aggregate classification (germline): Uncertain significance (1 of 4 stars; one submission).

Submission:

GeneDx
Classification: Uncertain significance. Last evaluated: 2011-09-21. Review status: criteria provided, single submitter. Criteria: GeneDx Variant Classification (06012015). Collection method: clinical testing. Allele origin: germline. Affected: yes.
Comment: This variant is denoted Asn269Tyr (aka N269Y) at the protein level and c.805 A>T at the cDNA level. Asn269Tyr results in a conservative substitution of one neutral, polar amino acid for another at a residue that is conserved across mammal species, but the Asn269 residue is not conserved in lower species. However, mutations in nearby codons (Asn262Ser, Asp270Asn, Asn271Ile) have been reported in association with cardiomyopathy, supporting the functional importance of this region of the protein. In summary, with the clinical and molecular information available at this time, we cannot unequivocally determine whether the Asn269Tyr variant is a disease-causing mutation or a rare benign variant. The variant is found in DCM panel(s).